The following is an entry in ClinVar:

ClinVar aggregate classification (germline): Uncertain significance. Review status: criteria provided, multiple submitters, no conflicts (2 of 4 stars). 2 submissions from 2 submitters: Uncertain significance (2). Last evaluated 2024-04-22.

Conditions:
Hereditary cancer-predisposing syndrome. Also called: Hereditary Cancer Syndrome; Neoplastic Syndromes, Hereditary; Tumor predisposition; Hereditary neoplastic syndrome. Identifiers: Orphanet 140162, MedGen C0027672, MeSH D009386, MONDO:0015356.
Bloom syndrome (BLM). Also called: Bloom-Torre-Machacek syndrome. Identifiers: Orphanet 125, MedGen C0005859, MONDO:0008876, OMIM 210900.

Submissions (2):

Ambry Genetics
Classification: Uncertain significance for Hereditary cancer-predisposing syndrome. Last evaluated: 2024-04-22. Review status: criteria provided, single submitter. Criteria: Ambry Variant Classification Scheme 2023. Collection method: clinical testing. Allele origin: germline.
Comment: The p.F619L variant (also known as c.1857C>G), located in coding exon 6 of the BLM gene, results from a C to G substitution at nucleotide position 1857. The phenylalanine at codon 619 is replaced by leucine, an amino acid with highly similar properties. This amino acid position is conserved. In addition, this alteration is predicted to be tolerated by in silico analysis. Based on the available evidence, the clinical significance of this variant remains unclear.

Labcorp Genetics (formerly Invitae), Labcorp
Classification: Uncertain significance for Bloom syndrome. Last evaluated: 2022-07-06. Review status: criteria provided, single submitter. Criteria: Invitae Variant Classification Sherloc (09022015). Collection method: clinical testing. Allele origin: germline.
Comment: This sequence change replaces phenylalanine, which is neutral and non-polar, with leucine, which is neutral and non-polar, at codon 619 of the BLM protein (p.Phe619Leu). This variant is not present in population databases (gnomAD no frequency). This variant has not been reported in the literature in individuals affected with BLM-related conditions. Algorithms developed to predict the effect of missense changes on protein structure and function output the following: SIFT: "Tolerated"; PolyPhen-2: "Benign"; Align-GVGD: "Class C0". The leucine amino acid residue is found in multiple mammalian species, which suggests that this missense change does not adversely affect protein function. In summary, the available evidence is currently insufficient to determine the role of this variant in disease. Therefore, it has been classified as a Variant of Uncertain Significance.

NM_000057.4(BLM):c.1857C>G (p.Phe619Leu)

Gene: BLM (BLM RecQ like helicase; plus strand). Cytogenetic location: 15q26.1.
Variant type: single nucleotide variant.
Coding change: c.1857C>G on transcript NM_000057.4 (MANE Select); coding-DNA position 1857, C replaced by G.
Protein change: p.Phe619Leu; replaces phenylalanine 619 with leucine.
Molecular consequence: missense variant.
Genome position (GRCh38, 1-based): chr15:90,761,230, C>G. VCF-style: chr15-90761230-C-G. GRCh37 (hg19) VCF-style: chr15-91304460-C-G.
Other names: c.1857C>G, p.Phe619Leu (NM_001287246.2, NM_001287247.2); c.732C>G, p.Phe244Leu (NM_001287248.2); short protein forms F244L, F619L.
Identifiers: ClinVar variation 1980612 (VCV001980612.2), dbSNP rs1218260888, ClinGen allele CA393843992.